The following is an entry in ClinVar:

NM_014874.4(MFN2):c.1210A>G (p.Ile404Val)

Gene: MFN2 (mitofusin 2; plus strand). Cytogenetic location: 1p36.22.
Variant type: single nucleotide variant.
Coding change: c.1210A>G on transcript NM_014874.4 (MANE Select); coding-DNA position 1210, A replaced by G.
Protein change: p.Ile404Val; replaces isoleucine 404 with valine.
Molecular consequence: missense variant.
Genome position (GRCh38, 1-based): chr1:12,004,041, A>G. VCF-style: chr1-12004041-A-G. GRCh37 (hg19) VCF-style: chr1-12064098-A-G.
Other names: c.1210A>G, p.Ile404Val (NM_001127660.2); short protein forms I404V.
Identifiers: ClinVar variation 1750265 (VCV001750265.8), dbSNP rs775483521, ClinGen allele CA599052.

ClinVar aggregate classification (germline): Uncertain significance. Review status: criteria provided, multiple submitters, no conflicts (2 of 4 stars). 2 submissions from 2 submitters: Uncertain significance (2). Last evaluated 2025-06-29.

Conditions:
Inborn genetic diseases. Identifiers: MedGen C0950123, MeSH D030342.
Charcot-Marie-Tooth disease type 2. Also called: Charcot-Marie-Tooth type 2. Identifiers: Orphanet 64746, MedGen C0270914, MONDO:0018993.

Allele frequency attached by ClinVar (database versions not stated): gnomAD exomes 0.00001; TOPMed below 0.00001; ExAC 0.00001; gnomAD 0.00001.
gnomAD v4.1: 15 of 1,614,072 alleles (0.00093%); highest among the groups gnomAD compares: Non-Finnish European, 0.0012%; no homozygotes.

Submissions (2):

Ambry Genetics
Classification: Uncertain significance for Inborn genetic diseases. Last evaluated: 2025-06-29. Review status: criteria provided, single submitter. Criteria: Ambry Variant Classification Scheme 2023. Collection method: clinical testing. Allele origin: germline.

Labcorp Genetics (formerly Invitae), Labcorp
Classification: Uncertain significance for Charcot-Marie-Tooth disease type 2. Last evaluated: 2025-05-12. Review status: criteria provided, single submitter. Criteria: Invitae Variant Classification Sherloc (09022015). Collection method: clinical testing. Allele origin: germline.
Comment: This sequence change replaces isoleucine, which is neutral and non-polar, with valine, which is neutral and non-polar, at codon 404 of the MFN2 protein (p.Ile404Val). This variant is present in population databases (rs775483521, gnomAD 0.003%). This variant has not been reported in the literature in individuals affected with MFN2-related conditions. ClinVar contains an entry for this variant (Variation ID: 1750265). Invitae Evidence Modeling of protein sequence and biophysical properties (such as structural, functional, and spatial information, amino acid conservation, physicochemical variation, residue mobility, and thermodynamic stability) indicates that this missense variant is not expected to disrupt MFN2 protein function with a negative predictive value of 80%. In summary, the available evidence is currently insufficient to determine the role of this variant in disease. Therefore, it has been classified as a Variant of Uncertain Significance.